The following is an entry in ClinVar:

NM_198578.4(LRRK2):c.5465A>G (p.His1822Arg)

Gene: LRRK2 (leucine rich repeat kinase 2; plus strand). Cytogenetic location: 12q12.
Variant type: single nucleotide variant.
Coding change: c.5465A>G on transcript NM_198578.4 (MANE Select); coding-DNA position 5465, A replaced by G.
Protein change: p.His1822Arg; replaces histidine 1822 with arginine.
Molecular consequence: missense variant.
Genome position (GRCh38, 1-based): chr12:40,322,466, A>G. VCF-style: chr12-40322466-A-G. GRCh37 (hg19) VCF-style: chr12-40716268-A-G.
Other names: short protein forms H1822R.
Identifiers: ClinVar variation 3625613 (VCV003625613.2).

ClinVar aggregate classification (germline): Uncertain significance (1 of 4 stars; one submission).

Conditions:
Autosomal dominant Parkinson disease 8. Also called: Parkinson disease 8, susceptibility to; LRRK2-Related Parkinson Disease; Parkinson disease 8. Identifiers: Orphanet 411602, MedGen C1846862, MONDO:0011764, OMIM 607060.

gnomAD v4.1: 9 of 1,613,444 alleles (0.00056%); highest among the groups gnomAD compares: East Asian, 0.011%; no homozygotes.

Submission:

Labcorp Genetics (formerly Invitae), Labcorp
Classification: Uncertain significance for Autosomal dominant Parkinson disease 8. Last evaluated: 2024-06-25. Review status: criteria provided, single submitter. Criteria: Invitae Variant Classification Sherloc (09022015). Collection method: clinical testing. Allele origin: germline.
Comment: This sequence change replaces histidine, which is basic and polar, with arginine, which is basic and polar, at codon 1822 of the LRRK2 protein (p.His1822Arg). This variant is present in population databases (rs558440102, gnomAD 0.03%). This missense change has been observed in individual(s) with Parkinson disease (PMID: 30598256, 35861376). Advanced modeling of protein sequence and biophysical properties (such as structural, functional, and spatial information, amino acid conservation, physicochemical variation, residue mobility, and thermodynamic stability) has been performed at Invitae for this missense variant, however the output from this modeling did not meet the statistical confidence thresholds required to predict the impact of this variant on LRRK2 protein function. In summary, the available evidence is currently insufficient to determine the role of this variant in disease. Therefore, it has been classified as a Variant of Uncertain Significance.

Literature cited by the submitters: PubMed 30598256; PubMed 35861376.